The following is an entry in ClinVar:

NM_001005361.3(DNM2):c.750A>G (p.Ala250=)

Gene: DNM2 (dynamin 2; plus strand). Cytogenetic location: 19p13.2.
Variant type: single nucleotide variant.
Coding change: c.750A>G on transcript NM_001005361.3 (MANE Select); coding-DNA position 750, A replaced by G.
Protein change: p.Ala250=; no amino-acid change (alanine 250 retained).
Molecular consequence: synonymous variant.
Genome position (GRCh38, 1-based): chr19:10,783,021, A>G. VCF-style: chr19-10783021-A-G. GRCh37 (hg19) VCF-style: chr19-10893697-A-G.
Other names: c.750A>G, p.Ala250= (NM_001005360.3, NM_001005362.3, NM_001190716.2 and 1 more transcripts).
Identifiers: ClinVar variation 533839 (VCV000533839.18), dbSNP rs202214529, ClinGen allele CA9200881.

ClinVar aggregate classification (germline): Likely benign. Review status: criteria provided, multiple submitters, no conflicts (2 of 4 stars). 5 submissions from 4 submitters: Likely benign (5). Last evaluated 2026-01-14.

Conditions:
Autosomal dominant centronuclear myopathy. Also called: MYOTUBULAR MYOPATHY, AUTOSOMAL DOMINANT; Myopathy, centronuclear, 3. Identifiers: Orphanet 169189, MedGen C4551952, MeSH D020914, MONDO:0008048, OMIM 160150.
Charcot-Marie-Tooth disease dominant intermediate B (CMTDIB). Also called: CHARCOT-MARIE-TOOTH NEUROPATHY, DOMINANT INTERMEDIATE B; Charcot-Marie-Tooth disease dominant intermediate 1; CMT DI1; Charcot-Marie-Tooth disease dominant intermediate I. Identifiers: Orphanet 100044, Orphanet 228179, MedGen C1847902, MONDO:0011674, OMIM 606482.
Inborn genetic diseases. Identifiers: MedGen C0950123, MeSH D030342.

Allele frequency attached by ClinVar (database versions not stated): TOPMed 0.00001; gnomAD 0.00003; gnomAD exomes 0.00004 and 0.00011; ExAC 0.00006; ESP Exome Variant Server 0.00008.
gnomAD v4.1: 155 of 1,614,016 alleles (0.0096%); highest among the groups gnomAD compares: Non-Finnish European, 0.013%; no homozygotes.

Submissions (5):

Labcorp Genetics (formerly Invitae), Labcorp
Classification: Likely benign for Charcot-Marie-Tooth disease dominant intermediate B. Last evaluated: 2026-01-14. Review status: criteria provided, single submitter. Criteria: Invitae Variant Classification Sherloc (09022015). Collection method: clinical testing. Allele origin: germline.

ARUP Laboratories, Molecular Genetics and Genomics, ARUP Laboratories
Classification: Likely benign. Last evaluated: 2025-04-04. Review status: criteria provided, single submitter. Criteria: ARUP Molecular Germline Variant Investigation Process 2024. Collection method: clinical testing. Allele origin: germline.

Ambry Genetics
Classification: Likely benign for Inborn genetic diseases. Last evaluated: 2019-07-11. Review status: criteria provided, single submitter. Criteria: Ambry Variant Classification Scheme 2023. Collection method: clinical testing. Allele origin: germline.

Illumina Laboratory Services, Illumina
Classification: Likely benign for Autosomal dominant centronuclear myopathy. Last evaluated: 2018-01-13. Review status: criteria provided, single submitter. Criteria: ICSL Variant Classification Criteria 13 December 2019. Collection method: clinical testing. Allele origin: germline.
Comment: This variant was observed in the ICSL laboratory as part of a predisposition screen in an ostensibly healthy population. It had not been previously curated by ICSL or reported in the Human Gene Mutation Database (HGMD: prior to June 1st, 2018), and was therefore a candidate for classification through an automated scoring system. Utilizing variant allele frequency, disease prevalence and penetrance estimates, and inheritance mode, an automated score was calculated to assess if this variant is too frequent to cause the disease. Based on the score and internal cut-off values, a variant classified as likely benign is not then subjected to further curation. The score for this variant resulted in a classification of likely benign for this disease.

Illumina Laboratory Services, Illumina
Classification: Likely benign for Charcot-Marie-Tooth disease dominant intermediate B. Last evaluated: 2018-01-13. Review status: criteria provided, single submitter. Criteria: ICSL Variant Classification Criteria 13 December 2019. Collection method: clinical testing. Allele origin: germline.
Comment: the same text as in the submission from Illumina Laboratory Services, Illumina above.